The following is an entry in ClinVar:

NM_022081.6(HPS4):c.956C>T (p.Pro319Leu)

Gene: HPS4 (HPS4 biogenesis of lysosomal organelles complex 3 subunit 2; minus strand). Cytogenetic location: 22q12.1.
Variant type: single nucleotide variant.
Coding change: c.956C>T on transcript NM_022081.6 (MANE Select); coding-DNA position 956, C replaced by T.
Protein change: p.Pro319Leu; replaces proline 319 with leucine.
Molecular consequence: missense variant. On other transcripts: non-coding transcript variant (8).
Genome position (GRCh38, 1-based): chr22:26,464,674, G>A on the plus strand (C>T on the coding strand, the complement: HPS4 is on the minus strand). VCF-style: chr22-26464674-G-A. GRCh37 (hg19) VCF-style: chr22-26860640-G-A.
Other names: c.956C>T (NM_022081.4); c.956C>T, p.Pro319Leu (NM_001349896.1, NM_001349898.2, NM_001349899.2 and 4 more transcripts); c.1010C>T, p.Pro337Leu (NM_001349900.2, NM_001349901.1); c.941C>T, p.Pro314Leu (NM_152841.2); short protein forms P314L, P337L, P319L.
Identifiers: ClinVar variation 1426413 (VCV001426413.7), dbSNP rs371109134, ClinGen allele CA322845894.

ClinVar aggregate classification (germline): Uncertain significance. Review status: criteria provided, multiple submitters, no conflicts (2 of 4 stars). 3 submissions from 3 submitters: Uncertain significance (3). Last evaluated 2025-10-07.

Conditions:
Inborn genetic diseases. Identifiers: MedGen C0950123, MeSH D030342.

Allele frequency attached by ClinVar (database versions not stated): gnomAD 0.00002; TOPMed 0.00003; ESP Exome Variant Server 0.00008; gnomAD exomes below 0.00001.
gnomAD v4.1: 6 of 1,610,976 alleles (0.00037%); highest among the groups gnomAD compares: Non-Finnish European, 0.00051%; no homozygotes.

Submissions (3):

Ambry Genetics
Classification: Uncertain significance for Inborn genetic diseases. Last evaluated: 2025-10-07. Review status: criteria provided, single submitter. Criteria: Ambry Variant Classification Scheme 2023. Collection method: clinical testing. Allele origin: germline.

Women's Health and Genetics/Laboratory Corporation of America, LabCorp
Classification: Uncertain significance. Last evaluated: 2024-05-03. Review status: criteria provided, single submitter. Criteria: LabCorp Variant Classification Summary - May 2015. Collection method: clinical testing. Allele origin: germline.
Comment: Variant summary: HPS4 c.956C>T (p.Pro319Leu) results in a non-conservative amino acid change in the encoded protein sequence. Three of five in-silico tools predict a benign effect of the variant on protein function. The variant was absent in 250876 control chromosomes. The available data on variant occurrences in the general population are insufficient to allow any conclusion about variant significance. To our knowledge, no occurrence of c.956C>T in individuals affected with Hermansky-Pudlak Syndrome and no experimental evidence demonstrating its impact on protein function have been reported. ClinVar contains an entry for this variant (Variation ID: 1426413). Based on the evidence outlined above, the variant was classified as uncertain significance.

Labcorp Genetics (formerly Invitae), Labcorp
Classification: Uncertain significance. Last evaluated: 2021-08-14. Review status: criteria provided, single submitter. Criteria: Invitae Variant Classification Sherloc (09022015). Collection method: clinical testing. Allele origin: germline.
Comment: This sequence change replaces proline with leucine at codon 319 of the HPS4 protein (p.Pro319Leu). The proline residue is moderately conserved and there is a moderate physicochemical difference between proline and leucine. This variant is not present in population databases (ExAC no frequency). This variant has not been reported in the literature in individuals affected with HPS4-related conditions. Algorithms developed to predict the effect of missense changes on protein structure and function output the following: SIFT: "Tolerated"; PolyPhen-2: "Benign"; Align-GVGD: "Class C0". The leucine amino acid residue is found in multiple mammalian species, which suggests that this missense change does not adversely affect protein function. In summary, the available evidence is currently insufficient to determine the role of this variant in disease. Therefore, it has been classified as a Variant of Uncertain Significance.